The following is an entry in ClinVar:

ClinVar aggregate classification (germline): Pathogenic/Likely pathogenic. Review status: criteria provided, multiple submitters, no conflicts (2 of 4 stars). 2 submissions from 2 submitters: Pathogenic (1); Likely pathogenic (1). Last evaluated 2025-08-27.

Allele frequency attached by ClinVar (database versions not stated): ExAC 0.00001; gnomAD exomes 0.00001.

Submissions (2):

Labcorp Genetics (formerly Invitae), Labcorp
Classification: Pathogenic. Last evaluated: 2025-08-27. Review status: criteria provided, single submitter. Criteria: Invitae Variant Classification Sherloc (09022015). Collection method: clinical testing. Allele origin: germline.
Comment: This sequence change creates a premature translational stop signal (p.Arg134*) in the TNFRSF9 gene. It is expected to result in an absent or disrupted protein product. Loss-of-function variants in TNFRSF9 are known to be pathogenic (PMID: 30872117, 31501153). This variant is present in population databases (rs771142611, gnomAD 0.003%). This variant has not been reported in the literature in individuals affected with TNFRSF9-related conditions. ClinVar contains an entry for this variant (Variation ID: 1468375). For these reasons, this variant has been classified as Pathogenic.

CeGaT Center for Human Genetics Tuebingen
Classification: Likely pathogenic. Last evaluated: 2024-08-01. Review status: criteria provided, single submitter. Criteria: CeGaT Center For Human Genetics Tuebingen Variant Classification Criteria Version 2. Collection method: clinical testing. Allele origin: germline. Affected: yes. Observed: 1 variant allele.
Comment: TNFRSF9: PVS1:Strong, PM2

Literature cited by the submitters: PubMed 30872117 (cited by Labcorp Genetics (formerly Invitae), Labcorp); PubMed 31501153 (cited by Labcorp Genetics (formerly Invitae), Labcorp).

NM_001561.6(TNFRSF9):c.400C>T (p.Arg134Ter)

Gene: TNFRSF9 (TNF receptor superfamily member 9; minus strand). Cytogenetic location: 1p36.23.
Variant type: single nucleotide variant.
Coding change: c.400C>T on transcript NM_001561.6 (MANE Select); coding-DNA position 400, C replaced by T.
Protein change: p.Arg134Ter; replaces arginine 134 with a stop codon.
Molecular consequence: nonsense.
Genome position (GRCh38, 1-based): chr1:7,937,703, G>A on the plus strand (C>T on the coding strand, the complement: TNFRSF9 is on the minus strand). VCF-style: chr1-7937703-G-A. GRCh37 (hg19) VCF-style: chr1-7997763-G-A.
Other names: short protein forms R134*.
Identifiers: ClinVar variation 1468375 (VCV001468375.12), dbSNP rs771142611, ClinGen allele CA569241.